The following is an entry in ClinVar:

NM_000368.5(TSC1):c.1872dup (p.Glu625Ter)

Gene: TSC1 (TSC complex subunit 1; minus strand). Cytogenetic location: 9q34.13.
Variant type: Duplication.
Coding change: c.1872dup on transcript NM_000368.5 (MANE Select); coding-DNA position 1872, one base duplicated (T; older notation c.1872dupT).
Protein change: p.Glu625Ter; replaces glutamic acid 625 with a stop codon.
Molecular consequence: nonsense.
Genome position (GRCh38, 1-based): chr9:132,905,706, A duplicated on the plus strand (T on the coding strand, the reverse complement: TSC1 is on the minus strand). VCF-style (leftmost placement, unchanged base first): chr9-132905705-C-CA. GRCh37 (hg19) VCF-style: chr9-135781092-C-CA.
Other names: c.1869dup, p.Glu624Ter (NM_001162426.2); c.1719dup, p.Glu574Ter (NM_001162427.2); c.1509dup, p.Glu504Ter (NM_001362177.2); short protein forms E504*, E624*, E574*, E625*.
Identifiers: ClinVar variation 1366224 (VCV001366224.6), dbSNP rs2131817146, ClinGen allele CA2573144274.

ClinVar aggregate classification (germline): Pathogenic (1 of 4 stars; one submission).

Conditions:
Tuberous sclerosis 1 (TSC1). Identifiers: Orphanet 805, MedGen C1854465, MONDO:0008612, OMIM 191100.

Submission:

Labcorp Genetics (formerly Invitae), Labcorp
Classification: Pathogenic for Tuberous sclerosis 1. Last evaluated: 2021-09-07. Review status: criteria provided, single submitter. Criteria: Invitae Variant Classification Sherloc (09022015). Collection method: clinical testing. Allele origin: germline.
Comment: For these reasons, this variant has been classified as Pathogenic. This sequence change creates a premature translational stop signal (p.Glu625*) in the TSC1 gene. It is expected to result in an absent or disrupted protein product. Loss-of-function variants in TSC1 are known to be pathogenic (PMID: 10227394, 17304050). This variant is not present in population databases (ExAC no frequency). This variant has not been reported in the literature in individuals affected with TSC1-related conditions.

Literature cited by the submitters: PubMed 10227394; PubMed 17304050.